The following is an entry in ClinVar:

ClinVar aggregate classification (germline): Uncertain significance (1 of 4 stars; one submission).

Conditions:
LRP2-related disorder. Also called: LRP2-related condition.

gnomAD v4.1: 58 of 1,614,120 alleles (0.0036%); highest among the groups gnomAD compares: Non-Finnish European, 0.0046%; no homozygotes.

Submission:

PreventionGenetics, part of Exact Sciences
Classification: Uncertain significance for LRP2-related condition. Last evaluated: 2025-12-01. Review status: criteria provided, single submitter. Criteria: ACMG Guidelines, 2015. Collection method: clinical testing. Allele origin: germline.
Comment: The LRP2 c.4795T>C variant is predicted to result in the amino acid substitution p.Trp1599Arg. To our knowledge, this variant has not been reported in the literature. This variant is reported in 0.0028% of alleles in individuals of Latino descent in gnomAD. At this time, the clinical significance of this variant is uncertain due to the absence of conclusive functional and genetic evidence.

NM_004525.3(LRP2):c.4795T>C (p.Trp1599Arg)

Gene: LRP2 (LDL receptor related protein 2; minus strand). Cytogenetic location: 2q31.1.
Variant type: single nucleotide variant.
Coding change: c.4795T>C on transcript NM_004525.3 (MANE Select); coding-DNA position 4795, T replaced by C.
Protein change: p.Trp1599Arg; replaces tryptophan 1599 with arginine.
Molecular consequence: missense variant.
Genome position (GRCh38, 1-based): chr2:169,235,965, A>G on the plus strand (T>C on the coding strand, the complement: LRP2 is on the minus strand). VCF-style: chr2-169235965-A-G. GRCh37 (hg19) VCF-style: chr2-170092475-A-G.
Other names: short protein forms W1599R.
Identifiers: ClinVar variation 4978573 (VCV004978573.1).